The following is an entry in ClinVar:

ClinVar aggregate classification (germline): Uncertain significance (1 of 4 stars; one submission).

Conditions:
Fanconi anemia (FA). Also called: Fanconi's anemia. Identifiers: Orphanet 84, MedGen C0015625, MeSH D005199, MONDO:0019391.

Submission:

Labcorp Genetics (formerly Invitae), Labcorp
Classification: Uncertain significance for Fanconi anemia. Last evaluated: 2022-05-03. Review status: criteria provided, single submitter. Criteria: Invitae Variant Classification Sherloc (09022015). Collection method: clinical testing. Allele origin: germline.
Comment: This sequence change replaces threonine, which is neutral and polar, with alanine, which is neutral and non-polar, at codon 397 of the FANCM protein (p.Thr397Ala). This variant is not present in population databases (gnomAD no frequency). In summary, the available evidence is currently insufficient to determine the role of this variant in disease. Therefore, it has been classified as a Variant of Uncertain Significance. Algorithms developed to predict the effect of missense changes on protein structure and function (SIFT, PolyPhen-2, Align-GVGD) all suggest that this variant is likely to be tolerated. This variant has not been reported in the literature in individuals affected with FANCM-related conditions.

NM_020937.4(FANCM):c.1189A>G (p.Thr397Ala)

Gene: FANCM (FA complementation group M; plus strand). Cytogenetic location: 14q21.2.
Variant type: single nucleotide variant.
Coding change: c.1189A>G on transcript NM_020937.4 (MANE Select); coding-DNA position 1189, A replaced by G.
Protein change: p.Thr397Ala; replaces threonine 397 with alanine.
Molecular consequence: missense variant.
Genome position (GRCh38, 1-based): chr14:45,154,702, A>G. VCF-style: chr14-45154702-A-G. GRCh37 (hg19) VCF-style: chr14-45623905-A-G.
Other names: c.1111A>G, p.Thr371Ala (NM_001308133.2); c.1189A>G, p.Thr397Ala (NM_001308134.2); short protein forms T371A, T397A.
Identifiers: ClinVar variation 2132877 (VCV002132877.4), dbSNP rs1887058587, ClinGen allele CA389591100.
Genomic context (GRCh38, chr14:45,154,702, plus strand): 5'-ACATTTTATCAGTTTTATTATTATTTATTTGAAAACCTTTTCTTAATTTCTGAAGGGATG[A>G]CACGGTCAAAAAATGAACTTGGCCGAAATGAAGACTTCATGAAACTCTATAATCATCTAG-3'
Protein context (NP_065988.1, residues 387-407): CGIMDGTKGM[Thr397Ala]RSKNELGRNE